The following is an entry in ClinVar:

ClinVar aggregate classification (germline): Uncertain significance (1 of 4 stars; one submission).

Submission:

GeneDx
Classification: Uncertain significance. Last evaluated: 2019-08-21. Review status: criteria provided, single submitter. Criteria: GeneDx Variant Classification Process June 2021. Collection method: clinical testing. Allele origin: germline. Affected: yes.
Comment: Not observed in large population cohorts (Lek et al., 2016); In silico analysis, which includes protein predictors and evolutionary conservation, supports a deleterious effect; Has not been previously published as pathogenic or benign to our knowledge

NM_002547.3(OPHN1):c.281T>C (p.Leu94Pro)

Gene: OPHN1 (oligophrenin 1; minus strand). Cytogenetic location: Xq12.
Variant type: single nucleotide variant.
Coding change: c.281T>C on transcript NM_002547.3 (MANE Select); coding-DNA position 281, T replaced by C.
Protein change: p.Leu94Pro; replaces leucine 94 with proline.
Molecular consequence: missense variant.
Genome position (GRCh38, 1-based): chrX:68,283,087, A>G on the plus strand (T>C on the coding strand, the complement: OPHN1 is on the minus strand). VCF-style: chrX-68283087-A-G. GRCh37 (hg19) VCF-style: chrX-67502929-A-G.
Other names: short protein forms L94P.
Identifiers: ClinVar variation 1181518 (VCV001181518.2), dbSNP rs2147605605, ClinGen allele CA413434853.
Genomic context (GRCh38, chrX:68,283,087, plus strand): 5'-CAGCTTCAGTGACAGCGTTAGTGACTTACCATCATCATCCTCTCATTTTCTACCTCGTTG[A>G]GCAATTCAGCAAATTCCTTGAAGGATTCAGCTGGAAGGAGAGAATCAAATGTAAAACAAA-3'
Protein context (NP_002538.1, residues 84-104): AESFKEFAEL[Leu94Pro]NEVENERMMM